The following is an entry in ClinVar:

NM_015425.6(POLR1A):c.1103T>C (p.Ile368Thr)

Gene: POLR1A (RNA polymerase I subunit A; minus strand). Cytogenetic location: 2p11.2.
Variant type: single nucleotide variant.
Coding change: c.1103T>C on transcript NM_015425.6 (MANE Select); coding-DNA position 1103, T replaced by C.
Protein change: p.Ile368Thr; replaces isoleucine 368 with threonine.
Molecular consequence: missense variant.
Genome position (GRCh38, 1-based): chr2:86,078,268, A>G on the plus strand (T>C on the coding strand, the complement: POLR1A is on the minus strand). VCF-style: chr2-86078268-A-G. GRCh37 (hg19) VCF-style: chr2-86305391-A-G.
Other names: short protein forms I368T.
Identifiers: ClinVar variation 1902481 (VCV001902481.5), dbSNP rs933701245, ClinGen allele CA51359765.

ClinVar aggregate classification (germline): Uncertain significance (1 of 4 stars; one submission).

Allele frequency attached by ClinVar (database versions not stated): gnomAD exomes below 0.00001; gnomAD 0.00002; TOPMed 0.00003.
gnomAD v4.1: 8 of 1,570,948 alleles (0.00051%); highest among the groups gnomAD compares: African/African-American, 0.0069%; no homozygotes.

Submission:

Labcorp Genetics (formerly Invitae), Labcorp
Classification: Uncertain significance. Last evaluated: 2024-02-24. Review status: criteria provided, single submitter. Criteria: Invitae Variant Classification Sherloc (09022015). Collection method: clinical testing. Allele origin: germline.
Comment: This sequence change replaces isoleucine, which is neutral and non-polar, with threonine, which is neutral and polar, at codon 368 of the POLR1A protein (p.Ile368Thr). This variant is present in population databases (no rsID available, gnomAD 0.004%). This variant has not been reported in the literature in individuals affected with POLR1A-related conditions. ClinVar contains an entry for this variant (Variation ID: 1902481). Advanced modeling of protein sequence and biophysical properties (such as structural, functional, and spatial information, amino acid conservation, physicochemical variation, residue mobility, and thermodynamic stability) performed at Invitae indicates that this missense variant is not expected to disrupt POLR1A protein function with a negative predictive value of 80%. In summary, the available evidence is currently insufficient to determine the role of this variant in disease. Therefore, it has been classified as a Variant of Uncertain Significance.